The following is an entry in ClinVar:

ClinVar aggregate classification (germline): Uncertain significance (1 of 4 stars; one submission).

Conditions:
Autosomal recessive ataxia, Beauce type. Also called: SYNE1-Related Autosomal Recessive Cerebellar Ataxia; Spinocerebellar ataxia, autosomal recessive 8; ATAXIA, RECESSIVE, OF BEAUCE; SYNE1 Deficiency. Identifiers: Orphanet 88644, MedGen C1853116, MONDO:0012549, OMIM 610743.
Emery-Dreifuss muscular dystrophy 4, autosomal dominant (EDMD4). Also called: EMERY-DREIFUSS MUSCULAR DYSTROPHY 4 WITH VARIABLE FEATURES. Identifiers: Orphanet 261, MedGen C2751807, MONDO:0013071, OMIM 612998.

gnomAD v4.1: 2 of 1,614,150 alleles (0.00012%); highest among the groups gnomAD compares: African/African-American, 0.0027%; no homozygotes.

Submission:

Labcorp Genetics (formerly Invitae), Labcorp
Classification: Uncertain significance for Emery-Dreifuss muscular dystrophy 4, autosomal dominant; Autosomal recessive ataxia, Beauce type. Last evaluated: 2025-09-28. Review status: criteria provided, single submitter. Criteria: Invitae Variant Classification Sherloc (09022015). Collection method: clinical testing. Allele origin: germline.
Comment: This sequence change replaces proline, which is neutral and non-polar, with serine, which is neutral and polar, at codon 3101 of the SYNE1 protein (p.Pro3101Ser). This variant is not present in population databases (gnomAD no frequency). This variant has not been reported in the literature in individuals affected with SYNE1-related conditions. An algorithm developed to predict the effect of missense changes on protein structure and function (PolyPhen-2) suggests that this variant is likely to be disruptive. In summary, the available evidence is currently insufficient to determine the role of this variant in disease. Therefore, it has been classified as a Variant of Uncertain Significance.

NM_182961.4(SYNE1):c.9280C>T (p.Pro3094Ser)

Gene: SYNE1 (spectrin repeat containing nuclear envelope protein 1; minus strand). Cytogenetic location: 6q25.2.
Variant type: single nucleotide variant.
Coding change: c.9280C>T on transcript NM_182961.4 (MANE Select); coding-DNA position 9280, C replaced by T.
Protein change: p.Pro3094Ser; replaces proline 3094 with serine.
Molecular consequence: missense variant.
Genome position (GRCh38, 1-based): chr6:152,376,425, G>A on the plus strand (C>T on the coding strand, the complement: SYNE1 is on the minus strand). VCF-style: chr6-152376425-G-A. GRCh37 (hg19) VCF-style: chr6-152697560-G-A.
Other names: c.9301C>T, p.Pro3101Ser (NM_033071.5); short protein forms P3094S, P3101S.
Identifiers: ClinVar variation 4784024 (VCV004784024.1).